The following is an entry in ClinVar:

ClinVar aggregate classification (germline): Uncertain significance (1 of 4 stars; one submission).

Conditions:
Inborn genetic diseases. Identifiers: MedGen C0950123, MeSH D030342.

gnomAD v4.1: 1 of 1,609,450 alleles (0.000062%); highest among the groups gnomAD compares: Non-Finnish European, 0.000085%; no homozygotes.

Submission:

Ambry Genetics
Classification: Uncertain significance for Inborn genetic diseases. Last evaluated: 2023-12-14. Review status: criteria provided, single submitter. Criteria: Ambry Variant Classification Scheme 2023. Collection method: clinical testing. Allele origin: germline.
Comment: The p.L145V variant (also known as c.433C>G), located in coding exon 4 of the ATR gene, results from a C to G substitution at nucleotide position 433. The leucine at codon 145 is replaced by valine, an amino acid with highly similar properties. This amino acid position is conserved. In addition, this alteration is predicted to be tolerated by in silico analysis. Since supporting evidence is limited at this time, the clinical significance of this alteration remains unclear.

NM_001184.4(ATR):c.433C>G (p.Leu145Val)

Gene: ATR (ATR checkpoint kinase; minus strand). Cytogenetic location: 3q23.
Variant type: single nucleotide variant.
Coding change: c.433C>G on transcript NM_001184.4 (MANE Select); coding-DNA position 433, C replaced by G.
Protein change: p.Leu145Val; replaces leucine 145 with valine.
Molecular consequence: missense variant.
Genome position (GRCh38, 1-based): chr3:142,562,969, G>C on the plus strand (C>G on the coding strand, the complement: ATR is on the minus strand). VCF-style: chr3-142562969-G-C. GRCh37 (hg19) VCF-style: chr3-142281811-G-C.
Other names: c.433C>G, p.Leu145Val (NM_001354579.2); short protein forms L145V.
Identifiers: ClinVar variation 3221161 (VCV003221161.1), dbSNP rs2034938541, ClinGen allele CA354826997.